The following is an entry in ClinVar:

NM_014425.5(INVS):c.1420G>A (p.Val474Ile)

Gene: INVS (inversin; plus strand). Cytogenetic location: 9q31.1.
Variant type: single nucleotide variant.
Coding change: c.1420G>A on transcript NM_014425.5 (MANE Select); coding-DNA position 1420, G replaced by A.
Protein change: p.Val474Ile; replaces valine 474 with isoleucine.
Molecular consequence: missense variant. On other transcripts: non-coding transcript variant (1).
Genome position (GRCh38, 1-based): chr9:100,253,092, G>A. VCF-style: chr9-100253092-G-A. GRCh37 (hg19) VCF-style: chr9-103015374-G-A.
Other names: c.1132G>A, p.Val378Ile (NM_001318381.2); c.442G>A, p.Val148Ile (NM_001318382.2); short protein forms V148I, V378I, V474I.
Identifiers: ClinVar variation 1918611 (VCV001918611.5), dbSNP rs1335551294, ClinGen allele CA374365008.

ClinVar aggregate classification (germline): Uncertain significance (1 of 4 stars; one submission).

Conditions:
Nephronophthisis. Also called: Juvenile Nephronophthisis. Identifiers: Orphanet 655, MedGen C0687120, MONDO:0019005, HP:0000090.

Allele frequency attached by ClinVar (database versions not stated): gnomAD exomes below 0.00001; TOPMed below 0.00001.
gnomAD v4.1: 1 of 1,613,876 alleles (0.000062%); highest among the groups gnomAD compares: Admixed American, 0.0017%; no homozygotes.

Submission:

Labcorp Genetics (formerly Invitae), Labcorp
Classification: Uncertain significance for Nephronophthisis. Last evaluated: 2022-05-22. Review status: criteria provided, single submitter. Criteria: Invitae Variant Classification Sherloc (09022015). Collection method: clinical testing. Allele origin: germline.
Comment: In summary, the available evidence is currently insufficient to determine the role of this variant in disease. Therefore, it has been classified as a Variant of Uncertain Significance. Algorithms developed to predict the effect of missense changes on protein structure and function (SIFT, PolyPhen-2, Align-GVGD) all suggest that this variant is likely to be disruptive. This variant has not been reported in the literature in individuals affected with INVS-related conditions. This variant is present in population databases (no rsID available, gnomAD 0.003%). This sequence change replaces valine, which is neutral and non-polar, with isoleucine, which is neutral and non-polar, at codon 474 of the INVS protein (p.Val474Ile).